The following is an entry in ClinVar:

NM_000057.4(BLM):c.1620A>G (p.Ile540Met)

Gene: BLM (BLM RecQ like helicase; plus strand). Cytogenetic location: 15q26.1.
Variant type: single nucleotide variant.
Coding change: c.1620A>G on transcript NM_000057.4 (MANE Select); coding-DNA position 1620, A replaced by G.
Protein change: p.Ile540Met; replaces isoleucine 540 with methionine.
Molecular consequence: missense variant.
Genome position (GRCh38, 1-based): chr15:90,760,993, A>G. VCF-style: chr15-90760993-A-G. GRCh37 (hg19) VCF-style: chr15-91304223-A-G.
Other names: c.1620A>G, p.Ile540Met (NM_001287246.2, NM_001287247.2); c.495A>G, p.Ile165Met (NM_001287248.2); short protein forms I540M, I165M.
Identifiers: ClinVar variation 819691 (VCV000819691.7), dbSNP rs1596230234, ClinGen allele CA393843459.

ClinVar aggregate classification (germline): Uncertain significance. Review status: criteria provided, multiple submitters, no conflicts (2 of 4 stars). 2 submissions from 2 submitters: Uncertain significance (2). Last evaluated 2023-09-10.

Conditions:
Hereditary cancer-predisposing syndrome. Also called: Neoplastic Syndromes, Hereditary; Tumor predisposition; Hereditary Cancer Syndrome; Hereditary neoplastic syndrome. Identifiers: Orphanet 140162, MedGen C0027672, MeSH D009386, MONDO:0015356.
Bloom syndrome (BLM). Also called: Bloom-Torre-Machacek syndrome. Identifiers: Orphanet 125, MedGen C0005859, MONDO:0008876, OMIM 210900.

Submissions (2):

Labcorp Genetics (formerly Invitae), Labcorp
Classification: Uncertain significance for Bloom syndrome. Last evaluated: 2023-09-10. Review status: criteria provided, single submitter. Criteria: Invitae Variant Classification Sherloc (09022015). Collection method: clinical testing. Allele origin: germline.
Comment: This sequence change replaces isoleucine, which is neutral and non-polar, with methionine, which is neutral and non-polar, at codon 540 of the BLM protein (p.Ile540Met). This variant is not present in population databases (gnomAD no frequency). In summary, the available evidence is currently insufficient to determine the role of this variant in disease. Therefore, it has been classified as a Variant of Uncertain Significance. Advanced modeling of protein sequence and biophysical properties (such as structural, functional, and spatial information, amino acid conservation, physicochemical variation, residue mobility, and thermodynamic stability) performed at Invitae indicates that this missense variant is not expected to disrupt BLM protein function. ClinVar contains an entry for this variant (Variation ID: 819691). This variant has not been reported in the literature in individuals affected with BLM-related conditions.

Ambry Genetics
Classification: Uncertain significance for Hereditary cancer-predisposing syndrome. Last evaluated: 2018-01-05. Review status: criteria provided, single submitter. Criteria: Ambry Variant Classification Scheme 2023. Collection method: clinical testing. Allele origin: germline.
Comment: The p.I540M variant (also known as c.1620A>G), located in coding exon 6 of the BLM gene, results from an A to G substitution at nucleotide position 1620. The isoleucine at codon 540 is replaced by methionine, an amino acid with highly similar properties. This amino acid position is poorly conserved in available vertebrate species. In addition, this alteration is predicted to be tolerated by in silico analysis. Since supporting evidence is limited at this time, the clinical significance of this alteration remains unclear.